The following is an entry in ClinVar:

ClinVar aggregate classification (germline): Uncertain significance (1 of 4 stars; one submission).

Submission:

Labcorp Genetics (formerly Invitae), Labcorp
Classification: Uncertain significance. Last evaluated: 2025-04-17. Review status: criteria provided, single submitter. Criteria: Invitae Variant Classification Sherloc (09022015). Collection method: clinical testing. Allele origin: germline.
Comment: This variant, c.4194_4196del, results in the deletion of 1 amino acid(s) of the CCDC88C protein (p.Pro1399del), but otherwise preserves the integrity of the reading frame. This variant is not present in population databases (gnomAD no frequency). This variant has not been reported in the literature in individuals affected with CCDC88C-related conditions. In summary, the available evidence is currently insufficient to determine the role of this variant in disease. Therefore, it has been classified as a Variant of Uncertain Significance.

NM_001080414.4(CCDC88C):c.4188TCC[2] (p.Pro1399del)

Gene: CCDC88C (coiled-coil and HOOK domain protein 88C; minus strand). Cytogenetic location: 14q32.11.
Variant type: Microsatellite.
Coding change: c.4188TCC[2] on transcript NM_001080414.4 (MANE Select); two copies in a row of the 3-base unit TCC starting at c.4188; the reference has three copies in a row; one copy, 3 bases deleted.
Protein change: p.Pro1399del; deletes proline 1399.
Molecular consequence: inframe deletion.
Genome position (GRCh38, 1-based): chr14:91,291,001-91,291,003, GGA deleted on the plus strand (TCC on the coding strand, the reverse complement: CCDC88C is on the minus strand); deleting any 3 consecutive bases within chr14:91,291,001-91,291,009 gives the same sequence; the position shown is the placement nearest the transcript's 3' end. VCF-style (leftmost placement, unchanged base first): chr14-91291000-TGGA-T. GRCh37 (hg19) VCF-style: chr14-91757344-TGGA-T.
Other names: short protein forms P1399del.
Identifiers: ClinVar variation 3000632 (VCV003000632.3), dbSNP rs2544296295, ClinGen allele CA2575603176.
Genomic context (GRCh38, chr14:91,291,000, plus strand): 5'-AGAAAAGGAAGCTTTTAAGTTCTGTCTTTATGCCACTACACTTAAATCAACTCACTTCTT[TGGA>T]GGAGGATCATAGAACTTGTATTGATCCATGATTTTTTCTTCCAGCTTTTCCTTATGTCTT-3'